The following is an entry in ClinVar:

ClinVar aggregate classification (germline): Likely benign (1 of 4 stars; one submission).

gnomAD v4.1: 58 of 1,614,116 alleles (0.0036%); highest among the groups gnomAD compares: Admixed American, 0.038%; 1 homozygote.

Submission:

CeGaT Center for Human Genetics Tuebingen
Classification: Likely benign. Last evaluated: 2025-02-01. Review status: criteria provided, single submitter. Criteria: CeGaT Center For Human Genetics Tuebingen Variant Classification Criteria Version 2. Collection method: clinical testing. Allele origin: germline. Affected: yes. Observed: 1 variant allele.
Comment: CSNK2B: BP4, BP7

NM_001320.7(CSNK2B):c.468C>T (p.Gly156=)

Gene: CSNK2B (casein kinase 2 beta; plus strand). Cytogenetic location: 6p21.33.
Variant type: single nucleotide variant.
Coding change: c.468C>T on transcript NM_001320.7 (MANE Select); coding-DNA position 468, C replaced by T.
Protein change: p.Gly156=; no amino-acid change (glycine 156 retained).
Molecular consequence: synonymous variant.
Genome position (GRCh38, 1-based): chr6:31,669,419, C>T. VCF-style: chr6-31669419-C-T. GRCh37 (hg19) VCF-style: chr6-31637196-C-T.
Other names: c.459C>T, p.Gly153= (NM_001282385.2).
Identifiers: ClinVar variation 3778166 (VCV003778166.7).
Genomic context (GRCh38, chr6:31,669,419, plus strand): 5'-CTGCCCCAAGTGCATGGATGTGTACACACCCAAGTCATCAAGACACCATCACACGGATGG[C>T]GCCTACTTCGGCACTGGTTTCCCTCACATGCTCTTCATGGTGCATCCCGAGTACCGGCCC-3'
Protein context (NP_001311.3, residues 146-166): PKSSRHHHTD[Gly156=]AYFGTGFPHM